The following is an entry in ClinVar:

NM_001083116.3(PRF1):c.391G>T (p.Val131Phe)

Gene: PRF1 (perforin 1; minus strand). Cytogenetic location: 10q22.1.
Variant type: single nucleotide variant.
Coding change: c.391G>T on transcript NM_001083116.3 (MANE Select); coding-DNA position 391, G replaced by T.
Protein change: p.Val131Phe; replaces valine 131 with phenylalanine.
Molecular consequence: missense variant.
Genome position (GRCh38, 1-based): chr10:70,600,512, C>A on the plus strand (G>T on the coding strand, the complement: PRF1 is on the minus strand). VCF-style: chr10-70600512-C-A. GRCh37 (hg19) VCF-style: chr10-72360268-C-A.
Other names: c.391G>T, p.Val131Phe (NM_005041.6); short protein forms V131F.
Identifiers: ClinVar variation 1694129 (VCV001694129.6), dbSNP rs761941942, ClinGen allele CA5539050.

ClinVar aggregate classification (germline): Uncertain significance. Review status: criteria provided, multiple submitters, no conflicts (2 of 4 stars). 2 submissions from 2 submitters: Uncertain significance (2). Last evaluated 2023-07-08.

Conditions:
Autoinflammatory syndrome. Identifiers: Orphanet 93665, MedGen C3890737, MONDO:0019751.
Familial hemophagocytic lymphohistiocytosis 2 (FHL2). Also called: PRF1-Related Familial Hemophagocytic Lymphohistiocytosis (PRF1-fHLH). Identifiers: Orphanet 540, MedGen C1863727, MONDO:0011337, OMIM 603553.

Allele frequency attached by ClinVar (database versions not stated): ExAC 0.00002.

Submissions (2):

Labcorp Genetics (formerly Invitae), Labcorp
Classification: Uncertain significance for Familial hemophagocytic lymphohistiocytosis 2. Last evaluated: 2023-07-08. Review status: criteria provided, single submitter. Criteria: Invitae Variant Classification Sherloc (09022015). Collection method: clinical testing. Allele origin: germline.
Comment: Advanced modeling of protein sequence and biophysical properties (such as structural, functional, and spatial information, amino acid conservation, physicochemical variation, residue mobility, and thermodynamic stability) has been performed at Invitae for this missense variant, however the output from this modeling did not meet the statistical confidence thresholds required to predict the impact of this variant on PRF1 protein function. This sequence change replaces valine, which is neutral and non-polar, with phenylalanine, which is neutral and non-polar, at codon 131 of the PRF1 protein (p.Val131Phe). This variant is present in population databases (rs761941942, gnomAD 0.06%). This variant has not been reported in the literature in individuals affected with PRF1-related conditions. ClinVar contains an entry for this variant (Variation ID: 1694129). In summary, the available evidence is currently insufficient to determine the role of this variant in disease. Therefore, it has been classified as a Variant of Uncertain Significance.

Genome Diagnostics Laboratory, The Hospital for Sick Children
Classification: Uncertain significance for Autoinflammatory syndrome. Last evaluated: 2020-06-01. Review status: criteria provided, single submitter. Criteria: ACMG Guidelines, 2015. Collection method: clinical testing. Allele origin: germline. Affected: yes.